The following is an entry in ClinVar:

NM_001297.5(CNGB1):c.2278C>T (p.Leu760Phe)

Gene: CNGB1 (cyclic nucleotide gated channel subunit beta 1; minus strand). Cytogenetic location: 16q21.
Variant type: single nucleotide variant.
Coding change: c.2278C>T on transcript NM_001297.5 (MANE Select); coding-DNA position 2278, C replaced by T.
Protein change: p.Leu760Phe; replaces leucine 760 with phenylalanine.
Molecular consequence: missense variant.
Genome position (GRCh38, 1-based): chr16:57,915,275, G>A on the plus strand (C>T on the coding strand, the complement: CNGB1 is on the minus strand). VCF-style: chr16-57915275-G-A. GRCh37 (hg19) VCF-style: chr16-57949179-G-A.
Other names: c.2260C>T, p.Leu754Phe (NM_001286130.2); short protein forms L754F, L760F.
Identifiers: ClinVar variation 1061601 (VCV001061601.8), dbSNP rs572146377, ClinGen allele CA8083083.
Genomic context (GRCh38, chr16:57,915,275, plus strand): 5'-TGAAGGCCTGGGGTGGTGGGCCCAGCAGTCCTACCTTTAAACAGCGGGGCAGGCGGAGGA[G>A]GGGGTTCACACCGACTTTCAAATAGAGAAAATCCAAGGGCAGGAGGCTGAGCAGGTCCAT-3'
Protein context (NP_001288.3, residues 750-770): FLYLKVGVNP[Leu760Phe]LRLPRCLKYM

ClinVar aggregate classification (germline): Uncertain significance. Review status: criteria provided, multiple submitters, no conflicts (2 of 4 stars). 2 submissions from 2 submitters: Uncertain significance (2). Last evaluated 2024-02-17.

Allele frequency attached by ClinVar (database versions not stated): TOPMed below 0.00001; gnomAD 0.00001; gnomAD exomes 0.00002 and 0.00003; ExAC 0.00003; 1000 Genomes Project 30x 0.00016; 1000 Genomes Project 0.00020.
gnomAD v4.1: 32 of 1,614,022 alleles (0.002%); highest among the groups gnomAD compares: South Asian, 0.031%; 2 homozygotes.

Submissions (2):

Labcorp Genetics (formerly Invitae), Labcorp
Classification: Uncertain significance. Last evaluated: 2024-02-17. Review status: criteria provided, single submitter. Criteria: Invitae Variant Classification Sherloc (09022015). Collection method: clinical testing. Allele origin: germline.
Comment: This sequence change replaces leucine, which is neutral and non-polar, with phenylalanine, which is neutral and non-polar, at codon 760 of the CNGB1 protein (p.Leu760Phe). This variant is present in population databases (rs572146377, gnomAD 0.02%). This variant has not been reported in the literature in individuals affected with CNGB1-related conditions. ClinVar contains an entry for this variant (Variation ID: 1061601). Advanced modeling of protein sequence and biophysical properties (such as structural, functional, and spatial information, amino acid conservation, physicochemical variation, residue mobility, and thermodynamic stability) performed at Invitae indicates that this missense variant is not expected to disrupt CNGB1 protein function with a negative predictive value of 80%. In summary, the available evidence is currently insufficient to determine the role of this variant in disease. Therefore, it has been classified as a Variant of Uncertain Significance.

Blueprint Genetics
Classification: Uncertain significance. Last evaluated: 2022-09-14. Review status: criteria provided, single submitter. Criteria: ACMG Guidelines, 2015. Collection method: clinical testing. Allele origin: germline.